The following is an entry in ClinVar:

NM_152328.5(ADSS1):c.193-4966T>G

Gene: ADSS1 (adenylosuccinate synthase 1; plus strand). Cytogenetic location: 14q32.33.
Variant type: single nucleotide variant.
Coding change: c.193-4966T>G on transcript NM_152328.5 (MANE Select); 4966 bases into the intron before coding-DNA position 193, T replaced by G.
Molecular consequence: intron variant. On other transcripts: 5 prime UTR variant (1), synonymous variant (1).
Genome position (GRCh38, 1-based): chr14:104,730,054, T>G. VCF-style: chr14-104730054-T-G. GRCh37 (hg19) VCF-style: chr14-105196391-T-G.
Other names: c.-566T>G (NM_001320424.1); c.162T>G, p.Ala54= (NM_199165.2).
Identifiers: ClinVar variation 710045 (VCV000710045.12), dbSNP rs61733839, ClinGen allele CA7373519.
Genomic context (GRCh38, chr14:104,730,054, plus strand): 5'-AGCCCTCCCCTGGCTGCCTCCAAGGAGTCTCCAGTTACTGAGTGGCCACTCCGTGCCAGC[T>G]CAGCCCACCCCTCACCTTCCCAGTGCCTGTGGAGGCCCAACTAGGGTGACGCTGGGAGAG-3'

ClinVar aggregate classification (germline): Benign. Review status: criteria provided, single submitter (1 of 4 stars). 2 submissions from 2 submitters: Benign (1). 1 of the submissions does not count toward it. Last evaluated 2026-02-03.

Conditions:
ADSS1-related disorder. Also called: ADSS1-related condition.

Allele frequency attached by ClinVar (database versions not stated): gnomAD exomes 0.00076; ExAC 0.00156; gnomAD 0.00277 and 0.00292; ESP Exome Variant Server 0.00294; TOPMed 0.00315; 1000 Genomes Project 0.00479; 1000 Genomes Project 30x 0.00578.
gnomAD v4.1: 887 of 1,570,506 alleles (0.056%); highest among the groups gnomAD compares: African/African-American, 1%; 4 homozygotes.

Submissions (2):

Labcorp Genetics (formerly Invitae), Labcorp
Classification: Benign. Last evaluated: 2026-02-03. Review status: criteria provided, single submitter. Criteria: Invitae Variant Classification Sherloc (09022015). Collection method: clinical testing. Allele origin: germline.

PreventionGenetics, part of Exact Sciences
Classification: Benign for ADSS1-related condition. Last evaluated: 2019-03-25. Review status: no assertion criteria provided. Collection method: clinical testing. Allele origin: germline. Not counted in ClinVar's aggregate classification.
Comment: This variant is classified as benign based on ACMG/AMP sequence variant interpretation guidelines (Richards et al. 2015 PMID: 25741868, with internal and published modifications).